The following is an entry in ClinVar:

ClinVar aggregate classification (germline): Uncertain significance. Review status: criteria provided, multiple submitters, no conflicts (2 of 4 stars). 2 submissions from 2 submitters: Uncertain significance (2). Last evaluated 2023-10-13.

Conditions:
Inborn genetic diseases. Identifiers: MedGen C0950123, MeSH D030342.
Congenital myasthenic syndrome 8. Also called: Myasthenic syndrome, congenital, 8, with pre- and postsynaptic defects; MYASTHENIC SYNDROME, CONGENITAL, DUE TO AGRIN DEFICIENCY. Identifiers: Orphanet 590, MedGen C3808739, MONDO:0014052, OMIM 615120.

Allele frequency attached by ClinVar (database versions not stated): ExAC 0.00007; gnomAD 0.00014 and 0.00013; ESP Exome Variant Server 0.00016; gnomAD exomes 0.00007; TOPMed 0.00012.
gnomAD v4.1: 161 of 1,572,062 alleles (0.01%); highest among the groups gnomAD compares: African/African-American, 0.019%; no homozygotes.

Submissions (2):

Labcorp Genetics (formerly Invitae), Labcorp
Classification: Uncertain significance for Congenital myasthenic syndrome 8. Last evaluated: 2023-10-13. Review status: criteria provided, single submitter. Criteria: Invitae Variant Classification Sherloc (09022015). Collection method: clinical testing. Allele origin: germline.
Comment: This sequence change replaces aspartic acid, which is acidic and polar, with asparagine, which is neutral and polar, at codon 1770 of the AGRN protein (p.Asp1770Asn). This variant is present in population databases (rs141464249, gnomAD 0.03%). This variant has not been reported in the literature in individuals affected with AGRN-related conditions. ClinVar contains an entry for this variant (Variation ID: 474148). An algorithm developed to predict the effect of missense changes on protein structure and function (PolyPhen-2) suggests that this variant is likely to be disruptive. In summary, the available evidence is currently insufficient to determine the role of this variant in disease. Therefore, it has been classified as a Variant of Uncertain Significance.

Ambry Genetics
Classification: Uncertain significance for Inborn genetic diseases. Last evaluated: 2023-04-11. Review status: criteria provided, single submitter. Criteria: Ambry Variant Classification Scheme 2023. Collection method: clinical testing. Allele origin: germline.

NM_198576.4(AGRN):c.5308G>A (p.Asp1770Asn)

Gene: AGRN (agrin; plus strand). Cytogenetic location: 1p36.33.
Variant type: single nucleotide variant.
Coding change: c.5308G>A on transcript NM_198576.4 (MANE Select); coding-DNA position 5308, G replaced by A.
Protein change: p.Asp1770Asn; replaces aspartic acid 1770 with asparagine.
Molecular consequence: missense variant.
Genome position (GRCh38, 1-based): chr1:1,051,307, G>A. VCF-style: chr1-1051307-G-A. GRCh37 (hg19) VCF-style: chr1-986687-G-A.
Other names: c.5320G>A, p.Asp1774Asn (NM_001305275.2); c.5005G>A, p.Asp1669Asn (NM_001364727.2); short protein forms D1770N, D1774N, D1669N.
Identifiers: ClinVar variation 474148 (VCV000474148.11), dbSNP rs141464249, ClinGen allele CA509981.
Genomic context (GRCh38, chr1:1,051,307, plus strand): 5'-CCGCAGGTTCCGCACACCGTCCTCAACCTGAAGGAGCCGCTCTACGTAGGGGGCGCTCCC[G>A]ACTTCAGCAAGCTGGCCCGTGCTGCTGCCGTGTCCTCTGGCTTCGACGGTGCCATCCAGC-3'
Protein context (NP_940978.2, residues 1760-1780): KEPLYVGGAP[Asp1770Asn]FSKLARAAAV